The following is an entry in ClinVar:

ClinVar aggregate classification (germline): Pathogenic/Likely pathogenic. Review status: criteria provided, multiple submitters, no conflicts (2 of 4 stars). 6 submissions from 6 submitters: Pathogenic (3); Likely pathogenic (2). 1 of the submissions does not count toward it. Last evaluated 2025-04-01.

Conditions:
Hyperprolinemia type 2 (HYRPRO2). Also called: 1-PYRROLINE-5-CARBOXYLATE DEHYDROGENASE DEFICIENCY; Deficiency of pyrroline-5-carboxylate reductase; Delta-1-pyrroline-5-carboxylate dehydrogenase deficiency. Identifiers: Orphanet 79101, MedGen C2931835, MONDO:0009401, OMIM 239510.

Submissions (6):

CeGaT Center for Human Genetics Tuebingen
Classification: Pathogenic. Last evaluated: 2025-04-01. Review status: criteria provided, single submitter. Criteria: CeGaT Center For Human Genetics Tuebingen Variant Classification Criteria Version 2. Collection method: clinical testing. Allele origin: germline. Affected: yes. Observed: 3 variant alleles.
Comment: ALDH4A1: PP1:Strong, PVS1:Strong, PM2, PM3

Fulgent Genetics
Classification: Likely pathogenic for Hyperprolinemia type 2. Last evaluated: 2024-04-03. Review status: criteria provided, single submitter. Criteria: ACMG Guidelines, 2015. Collection method: clinical testing. Allele origin: germline.

Women's Health and Genetics/Laboratory Corporation of America, LabCorp
Classification: Pathogenic for Hyperprolinemia type 2. Last evaluated: 2024-03-22. Review status: criteria provided, single submitter. Criteria: LabCorp Variant Classification Summary - May 2015. Collection method: clinical testing. Allele origin: germline.
Comment: Variant summary: ALDH4A1 c.1560dupT (p.Gly521TrpfsX10) results in a premature termination codon, predicted to cause a truncation of the encoded protein, which is a commonly known mechanism for disease. The variant allele was found at a frequency of 1.2e-05 in 250726 control chromosomes. c.1560dupT has been reported in the literature in the homozygous state in multiple members of a family affected with hyperprolinemia type II (Geraghty_1998). These data indicate that the variant is very likely to be associated with disease. At least one publication reports experimental evidence evaluating an impact on protein function (Geraghty_1998). The variant was determined to result in an absence of growth on proline and absent enzymatic activity compared to wild-type in a yeast expression assay. The following publication has been ascertained in the context of this evaluation (PMID: 9700195). ClinVar contains an entry for this variant (Variation ID: 4002). Based on the evidence outlined above, the variant was classified as pathogenic.

GeneDx
Classification: Pathogenic. Last evaluated: 2024-01-04. Review status: criteria provided, single submitter. Criteria: GeneDx Variant Classification Process June 2021. Collection method: clinical testing. Allele origin: germline.
Comment: Published functional studies demonstrate a damaging effect as the variant abolished P5CDh activity in yeast cells (PMID: 9700195); Frameshift variant predicted to result in protein truncation, as the last 43 amino acids are replaced with 9 different amino acids in a gene for which loss-of-function is a known mechanism of disease; Not observed at significant frequency in large population cohorts (gnomAD); This variant is associated with the following publications: (PMID: 24931297, 9700195)

Revvity Omics, Revvity
Classification: Likely pathogenic for Hyperprolinemia type 2. Last evaluated: 2022-03-30. Review status: criteria provided, single submitter. Criteria: ACMG Guidelines, 2015. Collection method: clinical testing. Allele origin: germline.

OMIM
Classification: Pathogenic for HYPERPROLINEMIA, TYPE II. Last evaluated: 1998-09-01. Review status: no assertion criteria provided. Collection method: literature only. Allele origin: germline. Not counted in ClinVar's aggregate classification.

Literature cited by the submitters: PubMed 9700195 (cited by Women's Health and Genetics/Laboratory Corporation of America, LabCorp and OMIM); PubMed 2624476 (cited by OMIM).

NM_003748.4(ALDH4A1):c.1560dup (p.Gly521fs)

Gene: ALDH4A1 (aldehyde dehydrogenase 4 family member A1; minus strand). Cytogenetic location: 1p36.13.
Variant type: Duplication.
Coding change: c.1560dup on transcript NM_003748.4 (MANE Select); coding-DNA position 1560, one base duplicated (T; older notation c.1560dupT).
Protein change: p.Gly521fs; shifts the reading frame from glycine 521.
Molecular consequence: frameshift variant.
Genome position (GRCh38, 1-based): chr1:18,874,482, A duplicated on the plus strand (T on the coding strand, the reverse complement: ALDH4A1 is on the minus strand); the first of 3 consecutive A bases (chr1:18,874,482-18,874,484); duplicating any one gives the same sequence. VCF-style (leftmost placement, unchanged base first): chr1-18874481-C-CA. GRCh37 (hg19) VCF-style: chr1-19200975-C-CA.
Other names: c.1380dup, p.Gly461fs (NM_001161504.2); c.1407dup, p.Gly470fs (NM_001319218.2); c.1560dup, p.Gly521fs (NM_170726.3); c.1560dupT (NM_003748.4); short protein forms G521fs, G461fs, G470fs.
Identifiers: ClinVar variation 4002 (VCV000004002.51), dbSNP rs779536510, ClinGen allele CA212813.